The following is an entry in ClinVar:

ClinVar aggregate classification (germline): Likely benign. Review status: criteria provided, multiple submitters, no conflicts (2 of 4 stars). 3 submissions from 3 submitters: Likely benign (3). Last evaluated 2026-01-27.

Conditions:
RPGR-related disorder. Also called: RPGR-related condition.
Primary ciliary dyskinesia. Also called: Ciliary dyskinesia. Identifiers: Orphanet 244, MedGen C0008780, MONDO:0016575, HP:0012265.

Submissions (3):

Labcorp Genetics (formerly Invitae), Labcorp
Classification: Likely benign for Primary ciliary dyskinesia. Last evaluated: 2026-01-27. Review status: criteria provided, single submitter. Criteria: Invitae Variant Classification Sherloc (09022015). Collection method: clinical testing. Allele origin: germline.

PreventionGenetics, part of Exact Sciences
Classification: Likely benign for RPGR-related condition. Last evaluated: 2024-10-15. Review status: criteria provided, single submitter. Criteria: ACMG Guidelines, 2015. Collection method: clinical testing. Allele origin: germline.
Comment: This variant is classified as likely benign based on ACMG/AMP sequence variant interpretation guidelines (Richards et al. 2015 PMID: 25741868, with internal and published modifications).

Blueprint Genetics
Classification: Likely benign. Last evaluated: 2024-07-11. Review status: criteria provided, single submitter. Criteria: ACMG Guidelines, 2015. Collection method: clinical testing. Allele origin: germline.

NM_001034853.2(RPGR):c.2646AGGAGAAGGGGAGGGAGAAGAGGA[3] (p.883GEGEGEEE[3])

Gene: RPGR (retinitis pigmentosa GTPase regulator; minus strand). Cytogenetic location: Xp11.4.
Variant type: Microsatellite.
Coding change: c.2646AGGAGAAGGGGAGGGAGAAGAGGA[3] on transcript NM_001034853.2 (MANE Select); three copies in a row of the 24-base unit AGGAGAAGGGGAGGGAGAAGAGGA starting at c.2646; the reference has two copies in a row; one copy, 24 bases duplicated.
Protein change: p.883GEGEGEEE[3].
Molecular consequence: inframe insertion. On other transcripts: intron variant (8).
Genome position (GRCh38, 1-based): chrX:38,286,306-38,286,329, TCCTCTTCTCCCTCCCCTTCTCCT duplicated on the plus strand (AGGAGAAGGGGAGGGAGAAGAGGA on the coding strand, the reverse complement: RPGR is on the minus strand); duplicating any 24 consecutive bases within chrX:38,286,306-38,286,358 gives the same sequence; the position shown is the placement nearest the transcript's 3' end. VCF-style (leftmost placement, unchanged base first): chrX-38286305-C-CTCCTCTTCTCCCTCCCCTTCTCCT. GRCh37 (hg19) VCF-style: chrX-38145558-C-CTCCTCTTCTCCCTCCCCTTCTCCT.
Other names: c.2670_2693dup24 (NM_001034853.1); c.1569+4606AGGAGAAGGGGAGGGAGAAGAGGA[3] (NM_001367249.1, NM_001367250.1); c.1902+741AGGAGAAGGGGAGGGAGAAGAGGA[3] (NM_001367245.1); c.1386+4606AGGAGAAGGGGAGGGAGAAGAGGA[3] (NM_001367251.1); c.1719+741AGGAGAAGGGGAGGGAGAAGAGGA[3] (NM_001367246.1); c.1572+4606AGGAGAAGGGGAGGGAGAAGAGGA[3] (NM_001367247.1); c.1905+741AGGAGAAGGGGAGGGAGAAGAGGA[3] (NM_000328.3); c.1602+4606AGGAGAAGGGGAGGGAGAAGAGGA[3] (NM_001367248.1).
Identifiers: ClinVar variation 1516251 (VCV001516251.10), dbSNP rs756520886, ClinGen allele CA10385253.